The following is an entry in ClinVar:

ClinVar aggregate classification (germline): Uncertain significance (1 of 4 stars; one submission).

Allele frequency attached by ClinVar (database versions not stated): gnomAD exomes below 0.00001.
gnomAD v4.1: 1 of 1,614,088 alleles (0.000062%); highest among the groups gnomAD compares: Non-Finnish European, 0.000085%; no homozygotes.

Submission:

Labcorp Genetics (formerly Invitae), Labcorp
Classification: Uncertain significance. Last evaluated: 2023-08-08. Review status: criteria provided, single submitter. Criteria: Invitae Variant Classification Sherloc (09022015). Collection method: clinical testing. Allele origin: germline.
Comment: In summary, the available evidence is currently insufficient to determine the role of this variant in disease. Therefore, it has been classified as a Variant of Uncertain Significance. Advanced modeling of protein sequence and biophysical properties (such as structural, functional, and spatial information, amino acid conservation, physicochemical variation, residue mobility, and thermodynamic stability) performed at Invitae indicates that this missense variant is not expected to disrupt MYO3A protein function. This variant has not been reported in the literature in individuals affected with MYO3A-related conditions. This variant is not present in population databases (gnomAD no frequency). This sequence change replaces glutamic acid, which is acidic and polar, with glycine, which is neutral and non-polar, at codon 1024 of the MYO3A protein (p.Glu1024Gly).

NM_017433.5(MYO3A):c.3071A>G (p.Glu1024Gly)

Gene: MYO3A (myosin IIIA; plus strand). Cytogenetic location: 10p12.1.
Variant type: single nucleotide variant.
Coding change: c.3071A>G on transcript NM_017433.5 (MANE Select); coding-DNA position 3071, A replaced by G.
Protein change: p.Glu1024Gly; replaces glutamic acid 1024 with glycine.
Molecular consequence: missense variant.
Genome position (GRCh38, 1-based): chr10:26,166,138, A>G. VCF-style: chr10-26166138-A-G. GRCh37 (hg19) VCF-style: chr10-26455067-A-G.
Other names: short protein forms E1024G.
Identifiers: ClinVar variation 2751280 (VCV002751280.3), dbSNP rs2493885213, ClinGen allele CA376337220.